The following is an entry in ClinVar:

NM_000540.3(RYR1):c.3712A>T (p.Ser1238Cys)

Gene: RYR1 (ryanodine receptor 1; plus strand). Cytogenetic location: 19q13.2.
Variant type: single nucleotide variant.
Coding change: c.3712A>T on transcript NM_000540.3 (MANE Select); coding-DNA position 3712, A replaced by T.
Protein change: p.Ser1238Cys; replaces serine 1238 with cysteine.
Molecular consequence: missense variant.
Genome position (GRCh38, 1-based): chr19:38,469,460, A>T. VCF-style: chr19-38469460-A-T. GRCh37 (hg19) VCF-style: chr19-38960100-A-T.
Other names: c.3712A>T, p.Ser1238Cys (NM_001042723.2); short protein forms S1238C.
Identifiers: ClinVar variation 3906647 (VCV003906647.2).

ClinVar aggregate classification (germline): Uncertain significance. Review status: criteria provided, multiple submitters, no conflicts (2 of 4 stars). 2 submissions from 2 submitters: Uncertain significance (2). Last evaluated 2025-06-16.

Conditions:
Inborn genetic diseases. Identifiers: MedGen C0950123, MeSH D030342.

gnomAD v4.1: 3 of 1,614,192 alleles (0.00019%); highest among the groups gnomAD compares: South Asian, 0.0022%; no homozygotes.

Submissions (2):

Ambry Genetics
Classification: Uncertain significance for Inborn genetic diseases. Last evaluated: 2025-06-16. Review status: criteria provided, single submitter. Criteria: Ambry Variant Classification Scheme 2023. Collection method: clinical testing. Allele origin: germline.

GeneDx
Classification: Uncertain significance. Last evaluated: 2024-12-19. Review status: criteria provided, single submitter. Criteria: GeneDx Variant Classification Process June 2021. Collection method: clinical testing. Allele origin: germline. Affected: yes.
Comment: Not observed at significant frequency in large population cohorts (gnomAD); In silico analysis supports that this missense variant has a deleterious effect on protein structure/function; Has not been previously published as pathogenic or benign to our knowledge